The following is an entry in ClinVar:

NM_000263.4(NAGLU):c.2038G>T (p.Glu680Ter)

Gene: NAGLU (N-acetyl-alpha-glucosaminidase; plus strand). Cytogenetic location: 17q21.2.
Variant type: single nucleotide variant.
Coding change: c.2038G>T on transcript NM_000263.4 (MANE Select); coding-DNA position 2038, G replaced by T.
Protein change: p.Glu680Ter; replaces glutamic acid 680 with a stop codon.
Molecular consequence: nonsense.
Genome position (GRCh38, 1-based): chr17:42,544,044, G>T. VCF-style: chr17-42544044-G-T. GRCh37 (hg19) VCF-style: chr17-40696062-G-T.
Other names: short protein forms E680*.
Identifiers: ClinVar variation 3755785 (VCV003755785.2).

ClinVar aggregate classification (germline): Pathogenic (1 of 4 stars; one submission).

Conditions:
Charcot-Marie-Tooth disease axonal type 2V. Also called: CHARCOT-MARIE-TOOTH NEUROPATHY, TYPE 2V; CHARCOT-MARIE-TOOTH DISEASE, AXONAL, AUTOSOMAL DOMINANT, TYPE 2V. Identifiers: Orphanet 447964, MedGen C5569050, MONDO:0014665, OMIM 616491.
Mucopolysaccharidosis, MPS-III-B (MPS3B). Also called: N-ACETYL-ALPHA-D-GLUCOSAMINIDASE DEFICIENCY; NAGLU DEFICIENCY; SANFILIPPO SYNDROME B; MPS III B; Mucopolysaccharidosis type IIIB (Sanfilippo B); MUCOPOLYSACCHARIDOSIS, TYPE IIIB. Identifiers: Orphanet 79270, MedGen C0086648, MONDO:0009656, OMIM 252920.

Submission:

Labcorp Genetics (formerly Invitae), Labcorp
Classification: Pathogenic for Charcot-Marie-Tooth disease axonal type 2V; Mucopolysaccharidosis, MPS-III-B. Last evaluated: 2024-10-14. Review status: criteria provided, single submitter. Criteria: Invitae Variant Classification Sherloc (09022015). Collection method: clinical testing. Allele origin: germline.
Comment: This sequence change creates a premature translational stop signal (p.Glu680*) in the NAGLU gene. While this is not anticipated to result in nonsense mediated decay, it is expected to disrupt the last 64 amino acid(s) of the NAGLU protein. This variant is not present in population databases (gnomAD no frequency). This variant has not been reported in the literature in individuals affected with NAGLU-related conditions. This variant disrupts a region of the NAGLU protein in which other variant(s) (p.Leu682Arg) have been determined to be pathogenic (PMID: 9443878, 11793481, 33747789). This suggests that this is a clinically significant region of the protein, and that variants that disrupt it are likely to be disease-causing. For these reasons, this variant has been classified as Pathogenic.

Literature cited by the submitters: PubMed 9443878; PubMed 11793481; PubMed 33747789.